The following is an entry in ClinVar:

NM_004371.4(COPA):c.2712T>C (p.Asp904=)

Gene: COPA (coat protein complex I subunit alpha; minus strand). Cytogenetic location: 1q23.2.
Variant type: single nucleotide variant.
Coding change: c.2712T>C on transcript NM_004371.4 (MANE Select); coding-DNA position 2712, T replaced by C.
Protein change: p.Asp904=; no amino-acid change (aspartic acid 904 retained).
Molecular consequence: synonymous variant.
Genome position (GRCh38, 1-based): chr1:160,293,428, A>G on the plus strand (T>C on the coding strand, the complement: COPA is on the minus strand). VCF-style: chr1-160293428-A-G. GRCh37 (hg19) VCF-style: chr1-160263218-A-G.
Other names: c.2739T>C, p.Asp913= (NM_001098398.2).
Identifiers: ClinVar variation 1158866 (VCV001158866.33), dbSNP rs375099053, ClinGen allele CA1197807.

ClinVar aggregate classification (germline): Likely benign. Review status: criteria provided, multiple submitters, no conflicts (2 of 4 stars). 2 submissions from 2 submitters: Likely benign (2). Last evaluated 2025-12-01.

Conditions:
Autoimmune interstitial lung disease-arthritis syndrome. Also called: Autoinflammation and autoimmunity, systemic, with immune dysregulation. Identifiers: Orphanet 444092, MedGen C5975714, MONDO:0014629.

Allele frequency attached by ClinVar (database versions not stated): ExAC 0.00002; gnomAD 0.00003; gnomAD exomes 0.00003; TOPMed 0.00004; ESP Exome Variant Server 0.00008.
gnomAD v4.1: 32 of 1,610,902 alleles (0.002%); highest among the groups gnomAD compares: Admixed American, 0.02%; no homozygotes.

Submissions (2):

Labcorp Genetics (formerly Invitae), Labcorp
Classification: Likely benign for Autoimmune interstitial lung disease-arthritis syndrome. Last evaluated: 2025-12-01. Review status: criteria provided, single submitter. Criteria: Invitae Variant Classification Sherloc (09022015). Collection method: clinical testing. Allele origin: germline.

CeGaT Center for Human Genetics Tuebingen
Classification: Likely benign. Last evaluated: 2023-02-01. Review status: criteria provided, single submitter. Criteria: CeGaT Center For Human Genetics Tuebingen Variant Classification Criteria Version 2. Collection method: clinical testing. Allele origin: germline. Affected: yes. Observed: 1 variant allele.
Comment: COPA: BP4, BP7